The following is an entry in ClinVar:

ClinVar aggregate classification (germline): Likely pathogenic (1 of 4 stars; one submission).

Conditions:
Lynch syndrome 5 (LYNCH5). Also called: Colorectal cancer, hereditary nonpolyposis, type 5; Hereditary non-polyposis colorectal cancer, type 5. Identifiers: Orphanet 144, MedGen C1833477, MONDO:0013710, OMIM 614350. Disease mechanism: loss of function.

Submission:

Myriad Genetics, Inc.
Classification: Likely pathogenic for Lynch syndrome 5. Last evaluated: 2023-01-12. Review status: criteria provided, single submitter. Criteria: Myriad Autosomal Dominant, Autosomal Recessive and X-Linked Classification Criteria (2023). Collection method: clinical testing. Allele origin: unknown.
Comment: This variant is considered likely pathogenic. This variant occurs within a consensus splice junction and is predicted to result in abnormal mRNA splicing of either an out-of-frame exon or an in-frame exon necessary for protein stability and/or normal function.

NM_000179.3(MSH6):c.627+2_627+11del

Gene: MSH6 (mutS homolog 6; plus strand). Cytogenetic location: 2p16.3.
Variant type: Deletion.
Coding change: c.627+2_627+11del on transcript NM_000179.3 (MANE Select); the canonical splice donor site of the intron after coding-DNA position 627 through 11 bases into the intron after coding-DNA position 627, 10 bases deleted (TGGGACACGG; older notation c.627+2_627+11delTGGGACACGG).
Molecular consequence: splice donor variant. On other transcripts: intron variant (2).
Genome position (GRCh38, 1-based): chr2:47,796,065-47,796,074, TGGGACACGG deleted; deleting any 10 consecutive bases within chr2:47,796,063-47,796,074 gives the same sequence; the c. name uses the placement nearest the transcript's 3' end. VCF-style (leftmost placement, unchanged base first): chr2-47796062-AGGTGGGACAC-A. GRCh37 (hg19) VCF-style: chr2-48023201-AGGTGGGACAC-A.
Other names: c.-279-2546_-279-2537del (NM_001281493.2); c.238-2546_238-2537del (NM_001281492.2); c.-276+2_-276+11del (NM_001281494.2).
Identifiers: ClinVar variation 2431275 (VCV002431275.1), dbSNP rs2530524918, ClinGen allele CA2580066842.